The following is an entry in ClinVar:

ClinVar aggregate classification (germline): Uncertain significance. Review status: criteria provided, multiple submitters, no conflicts (2 of 4 stars). 2 submissions from 2 submitters: Uncertain significance (2). Last evaluated 2025-05-14.

Allele frequency attached by ClinVar (database versions not stated): gnomAD exomes 0.00004; ExAC 0.00002; gnomAD 0.00002; TOPMed 0.00003.

Submissions (2):

Ambry Genetics
Classification: Uncertain significance. Last evaluated: 2025-05-14. Review status: criteria provided, single submitter. Criteria: Ambry Variant Classification Scheme 2023. Collection method: clinical testing. Allele origin: germline.

Labcorp Genetics (formerly Invitae), Labcorp
Classification: Uncertain significance. Last evaluated: 2024-01-19. Review status: criteria provided, single submitter. Criteria: Invitae Variant Classification Sherloc (09022015). Collection method: clinical testing. Allele origin: germline.
Comment: This sequence change replaces proline, which is neutral and non-polar, with serine, which is neutral and polar, at codon 224 of the LAT protein (p.Pro224Ser). This variant is present in population databases (rs756999794, gnomAD 0.02%). This variant has not been reported in the literature in individuals affected with LAT-related conditions. ClinVar contains an entry for this variant (Variation ID: 1420400). An algorithm developed to predict the effect of missense changes on protein structure and function (PolyPhen-2) suggests that this variant is likely to be disruptive. In summary, the available evidence is currently insufficient to determine the role of this variant in disease. Therefore, it has been classified as a Variant of Uncertain Significance.

NM_001014987.2(LAT):c.670C>T (p.Pro224Ser)

Gene: LAT (linker for activation of T cells; plus strand). Cytogenetic location: 16p11.2.
Variant type: single nucleotide variant.
Coding change: c.670C>T on transcript NM_001014987.2 (MANE Select); coding-DNA position 670, C replaced by T.
Protein change: p.Pro224Ser; replaces proline 224 with serine.
Molecular consequence: missense variant.
Genome position (GRCh38, 1-based): chr16:28,989,980, C>T. VCF-style: chr16-28989980-C-T. GRCh37 (hg19) VCF-style: chr16-29001301-C-T.
Other names: c.667C>T, p.Pro223Ser (NM_001014988.2); c.778C>T, p.Pro260Ser (NM_001014989.2); c.757C>T, p.Pro253Ser (NM_014387.4); c.778C>T (NM_001014989.1); short protein forms P224S, P223S, P253S, P260S.
Identifiers: ClinVar variation 1420400 (VCV001420400.6), dbSNP rs756999794, ClinGen allele CA7990122.